The following is an entry in ClinVar:

ClinVar aggregate classification (germline): Likely pathogenic (1 of 4 stars; one submission).

Conditions:
Dilated cardiomyopathy 1G (CMD1G). Identifiers: Orphanet 154, MedGen C1858763, MONDO:0011400, OMIM 604145.
Autosomal recessive limb-girdle muscular dystrophy type 2J (LGMDR10). Also called: Limb-girdle muscular dystrophy, type 2J; MUSCULAR DYSTROPHY, LIMB-GIRDLE, AUTOSOMAL RECESSIVE 10. Identifiers: Orphanet 140922, MedGen C1837342, MONDO:0012127, OMIM 608807.

Submission:

Labcorp Genetics (formerly Invitae), Labcorp
Classification: Likely pathogenic for Dilated cardiomyopathy 1G; Autosomal recessive limb-girdle muscular dystrophy type 2J. Last evaluated: 2024-05-21. Review status: criteria provided, single submitter. Criteria: Invitae Variant Classification Sherloc (09022015). Collection method: clinical testing. Allele origin: germline.
Comment: This sequence change affects a donor splice site in intron 40 of the TTN gene. It is expected to disrupt RNA splicing and likely results in a truncated or disrupted TTN protein. This variant is not present in population databases (gnomAD no frequency). This variant has not been reported in the literature in individuals affected with TTN-related conditions. Algorithms developed to predict the effect of sequence changes on RNA splicing suggest that this variant may disrupt the consensus splice site. This variant is located in the I band of TTN (PMID: 25589632). Truncating variants in this region have been reported in individuals affected with autosomal recessive centronuclear myopathy (PMID: 23975875, Invitae internal data). Truncating variants in this region have also been identified in individuals affected with autosomal dominant dilated cardiomyopathy and/or cardio-related conditions (PMID: 27869827, 32964742, Invitae internal data). In summary, the currently available evidence indicates that the variant is pathogenic, but additional data are needed to prove that conclusively. Therefore, this variant has been classified as Likely Pathogenic.

Literature cited by the submitters: PubMed 25589632; PubMed 23975875; PubMed 27869827; PubMed 32964742.

NM_001267550.2(TTN):c.9471+1G>T

Gene: TTN (titin; minus strand). Cytogenetic location: 2q31.2.
Variant type: single nucleotide variant.
Coding change: c.9471+1G>T on transcript NM_001267550.2 (MANE Select); the canonical splice donor site of the intron after coding-DNA position 9471, G replaced by T.
Molecular consequence: splice donor variant.
Genome position (GRCh38, 1-based): chr2:178,767,758, C>A on the plus strand (G>T on the coding strand, the complement: TTN is on the minus strand). VCF-style: chr2-178767758-C-A. GRCh37 (hg19) VCF-style: chr2-179632485-C-A.
Other names: c.9333+1G>T (NM_003319.4, NM_133437.4, NM_133432.3); c.9471+1G>T (NM_133378.4, NM_001256850.1, NM_133379.5).
Identifiers: ClinVar variation 3756469 (VCV003756469.2).